The following is an entry in ClinVar:

NM_002334.4(LRP4):c.2243G>A (p.Arg748Gln)

Gene: LRP4 (LDL receptor related protein 4; minus strand). Cytogenetic location: 11p11.2.
Variant type: single nucleotide variant.
Coding change: c.2243G>A on transcript NM_002334.4 (MANE Select); coding-DNA position 2243, G replaced by A.
Protein change: p.Arg748Gln; replaces arginine 748 with glutamine.
Molecular consequence: missense variant.
Genome position (GRCh38, 1-based): chr11:46,886,506, C>T on the plus strand (G>A on the coding strand, the complement: LRP4 is on the minus strand). VCF-style: chr11-46886506-C-T. GRCh37 (hg19) VCF-style: chr11-46908057-C-T.
Other names: short protein forms R748Q.
Identifiers: ClinVar variation 958431 (VCV000958431.13), dbSNP rs545112106, ClinGen allele CA221639780.

ClinVar aggregate classification (germline): Uncertain significance. Review status: criteria provided, multiple submitters, no conflicts (2 of 4 stars). 3 submissions from 3 submitters: Uncertain significance (3). Last evaluated 2022-04-12.

Conditions:
Sclerosteosis 2 (SOST2). Identifiers: Orphanet 3152, MedGen C3280402, MONDO:0013679, OMIM 614305.
Cenani-Lenz syndactyly syndrome. Also called: SYNDACTYLY, TYPE VII; CENANI SYNDACTYLISM. Identifiers: Orphanet 3258, MedGen C1859309, MONDO:0008931, OMIM 212780.
Congenital myasthenic syndrome 17. Identifiers: Orphanet 590, MedGen C4225377, MONDO:0014578, OMIM 616304.

Allele frequency attached by ClinVar (database versions not stated): gnomAD exomes below 0.00001; gnomAD 0.00001; TOPMed 0.00001.
gnomAD v4.1: 2 of 1,613,964 alleles (0.00012%); highest among the groups gnomAD compares: African/African-American, 0.0013%; no homozygotes.

Submissions (3):

Fulgent Genetics
Classification: Uncertain significance for Cenani-Lenz syndactyly syndrome; Sclerosteosis 2; Congenital myasthenic syndrome 17. Last evaluated: 2022-04-12. Review status: criteria provided, single submitter. Criteria: ACMG Guidelines, 2015. Collection method: clinical testing. Allele origin: unknown.

Institute for Clinical Genetics, University Hospital TU Dresden, University Hospital TU Dresden
Classification: Uncertain significance. Last evaluated: 2021-11-03. Review status: criteria provided, single submitter. Criteria: ACMG Guidelines, 2015. Collection method: clinical testing. Allele origin: germline.

Labcorp Genetics (formerly Invitae), Labcorp
Classification: Uncertain significance for Cenani-Lenz syndactyly syndrome; Sclerosteosis 2; Congenital myasthenic syndrome 17. Last evaluated: 2019-11-10. Review status: criteria provided, single submitter. Criteria: Invitae Variant Classification Sherloc (09022015). Collection method: clinical testing. Allele origin: germline.
Comment: This sequence change replaces arginine with glutamine at codon 748 of the LRP4 protein (p.Arg748Gln). The arginine residue is highly conserved and there is a small physicochemical difference between arginine and glutamine. This variant is not present in population databases (ExAC no frequency). This variant has not been reported in the literature in individuals with LRP4-related conditions. Algorithms developed to predict the effect of missense changes on protein structure and function (SIFT, PolyPhen-2, Align-GVGD) all suggest that this variant is likely to be disruptive, but these predictions have not been confirmed by published functional studies and their clinical significance is uncertain. In summary, the available evidence is currently insufficient to determine the role of this variant in disease. Therefore, it has been classified as a Variant of Uncertain Significance.